The following is an entry in ClinVar:

NM_001384732.1(CPLANE1):c.2701C>G (p.Leu901Val)

Gene: CPLANE1 (ciliogenesis and planar polarity effector complex subunit 1; minus strand). Cytogenetic location: 5p13.2.
Variant type: single nucleotide variant.
Coding change: c.2701C>G on transcript NM_001384732.1 (MANE Select); coding-DNA position 2701, C replaced by G.
Protein change: p.Leu901Val; replaces leucine 901 with valine.
Molecular consequence: missense variant.
Genome position (GRCh38, 1-based): chr5:37,221,369, G>C on the plus strand (C>G on the coding strand, the complement: CPLANE1 is on the minus strand). VCF-style: chr5-37221369-G-C. GRCh37 (hg19) VCF-style: chr5-37221471-G-C.
Other names: c.2701C>G, p.Leu901Val (NM_023073.4); short protein forms L901V.
Identifiers: ClinVar variation 3676226 (VCV003676226.2).

ClinVar aggregate classification (germline): Uncertain significance (1 of 4 stars; one submission).

gnomAD v4.1: 7 of 1,529,126 alleles (0.00046%); highest among the groups gnomAD compares: Non-Finnish European, 0.00062%; no homozygotes.

Submission:

Labcorp Genetics (formerly Invitae), Labcorp
Classification: Uncertain significance. Last evaluated: 2024-06-02. Review status: criteria provided, single submitter. Criteria: Invitae Variant Classification Sherloc (09022015). Collection method: clinical testing. Allele origin: germline.
Comment: This sequence change replaces leucine, which is neutral and non-polar, with valine, which is neutral and non-polar, at codon 901 of the CPLANE1 protein (p.Leu901Val). This variant is not present in population databases (gnomAD no frequency). This variant has not been reported in the literature in individuals affected with CPLANE1-related conditions. Advanced modeling of protein sequence and biophysical properties (such as structural, functional, and spatial information, amino acid conservation, physicochemical variation, residue mobility, and thermodynamic stability) performed at Invitae indicates that this missense variant is not expected to disrupt CPLANE1 protein function with a negative predictive value of 95%. In summary, the available evidence is currently insufficient to determine the role of this variant in disease. Therefore, it has been classified as a Variant of Uncertain Significance.